The following is an entry in ClinVar:

NM_001276270.2(MBD4):c.939del (p.Glu314fs)

Gene: MBD4 (methyl-CpG binding domain 4, DNA glycosylase; minus strand). Cytogenetic location: 3q21.3.
Variant type: Deletion.
Coding change: c.939del on transcript NM_001276270.2 (MANE Select); coding-DNA position 939, one base deleted (A; older notation c.939delA).
Protein change: p.Glu314fs; shifts the reading frame from glutamic acid 314.
Molecular consequence: frameshift variant. On other transcripts: intron variant (1).
Genome position (GRCh38, 1-based): chr3:129,436,705, T deleted on the plus strand (A on the coding strand, the reverse complement: MBD4 is on the minus strand); the first of 10 consecutive T bases (chr3:129,436,705-129,436,714); deleting any one gives the same sequence. VCF-style (leftmost placement, unchanged base first): chr3-129436704-CT-C. GRCh37 (hg19) VCF-style: chr3-129155547-CT-C.
Other names: c.939del, p.Glu314fs (NM_001276271.2, NM_001276272.2, NM_003925.3); c.247+1103del (NM_001276273.2); c.939delA (NM_001276270.2, NM_003925.2); short protein forms E314fs.
Identifiers: ClinVar variation 2807074 (VCV002807074.10), dbSNP rs558765093, ClinGen allele CA2605443.
Genomic context (GRCh38, chr3:129,436,704, plus strand): 5'-TTATGATGCCAGAAGTTTTTTGTTCAGAACAAAAATTTGATCCTGAACTCAATGATCTTT[CT>C]TTTTTTTTTACAAGGCTGTTTTCTTCACTGGTCACACTGAGGGTCTCACCACATGCTCCA-3'

ClinVar aggregate classification (germline): Conflicting classifications of pathogenicity. Review status: criteria provided, conflicting classifications (1 of 4 stars). 5 submissions from 5 submitters: Pathogenic (3); Uncertain significance (1). 1 of the submissions does not count toward it. Last evaluated 2026-04-09.

Conditions:
Inborn genetic diseases. Identifiers: MedGen C0950123, MeSH D030342.
MBD4-related disorder. Also called: MBD4-related condition.
Tumor predisposition syndrome 2 (TPDS2). Also called: MBD4-Related Tumor Predisposition Syndrome; MBD4-associated neoplasia syndrome (MANS); MBD4-ASSOCIATED NEOPLASIA SYNDROME. Identifiers: Orphanet 661526, MedGen C5774186, MONDO:0859267, OMIM 619975.

Submissions (5):

PreventionGenetics, part of Exact Sciences
Classification: Pathogenic for MBD4-related condition. Last evaluated: 2026-04-09. Review status: criteria provided, single submitter. Criteria: ACMG Guidelines, 2015. Collection method: clinical testing. Allele origin: germline.
Comment: The MBD4 c.939delA variant is predicted to result in a frameshift and premature protein termination (p.Glu314Lysfs*4). This variant was identified with a concomitant PMS2 pathogenic variant in individuals from a family with breast cancer, mixoid liposarcoma, cutaneous melanoma, and several Lynch syndrome spectrum cancers (Family 22, Villy et al. 2024. PubMed ID: 38060262). This variant is reported in 1.1% of alleles in individuals of South Asian descent in gnomAD. This variant falls within a poly-adenine tract which is difficult to accurately sequence with NGS, thus allele frequency data should be interpreted with caution. This variant is classified as pathogenic and likely pathogenic in ClinVar (Variation ID: 2807074). Frameshift variants in MBD4 are expected to be pathogenic. This variant is interpreted as pathogenic.

Dasa
Classification: Uncertain significance. Last evaluated: 2026-01-27. Review status: criteria provided, single submitter. Criteria: DASA Assertion Criteria. Collection method: clinical testing. Allele origin: germline.
Comment: NM_001276270.2(MBD4):c.939del (p.Glu314Lysfs*4) is a frameshift variant in MBD4 predicted to alter the reading frame and introduce a premature termination codon and is predicted to result in an absent or altered protein product. This variant is rare in population databases. The currently available literature and clinical evidence are not sufficient to establish a definitive association between this variant and the reported condition. Therefore, this variant is classified as a variant of uncertain significance.

Myriad Genetics, Inc.
Classification: Pathogenic for Tumor predisposition syndrome 2. Last evaluated: 2025-12-18. Review status: criteria provided, single submitter. Criteria: Myriad Autosomal Dominant, Autosomal Recessive and X-Linked Classification Criteria (2023). Collection method: clinical testing. Allele origin: unknown.
Comment: This variant is considered pathogenic. This variant creates a frameshift predicted to result in premature protein truncation.

Labcorp Genetics (formerly Invitae), Labcorp
Classification: Pathogenic. Last evaluated: 2025-07-31. Review status: criteria provided, single submitter. Criteria: Invitae Variant Classification Sherloc (09022015). Collection method: clinical testing. Allele origin: germline.
Comment: This sequence change creates a premature translational stop signal (p.Glu314Lysfs*4) in the MBD4 gene. It is expected to result in an absent or disrupted protein product. Loss-of-function variants in MBD4 are known to be pathogenic (PMID: 30049810, 35460607). The frequency data for this variant in the population databases is considered unreliable, as metrics indicate poor data quality at this position in the gnomAD database. This variant has not been reported in the literature in individuals affected with MBD4-related conditions. ClinVar contains an entry for this variant (Variation ID: 2807074). For these reasons, this variant has been classified as Pathogenic.

Ambry Genetics
Classification: Benign for Inborn genetic diseases. Last evaluated: 2024-11-21. Review status: flagged submission. Criteria: Ambry Variant Classification Scheme 2023. Collection method: clinical testing. Allele origin: germline. Not counted in ClinVar's aggregate classification.
ClinVar note: Reason: Outlier claim with insufficient supporting evidence

Literature cited by the submitters: PubMed 30049810 (cited by Labcorp Genetics (formerly Invitae), Labcorp); PubMed 35460607 (cited by Labcorp Genetics (formerly Invitae), Labcorp).